The following is an entry in ClinVar:

NM_000393.5(COL5A2):c.1138C>T (p.Pro380Ser)

Gene: COL5A2 (collagen type V alpha 2 chain; minus strand). Cytogenetic location: 2q32.2.
Variant type: single nucleotide variant.
Coding change: c.1138C>T on transcript NM_000393.5 (MANE Select); coding-DNA position 1138, C replaced by T.
Protein change: p.Pro380Ser; replaces proline 380 with serine.
Molecular consequence: missense variant.
Genome position (GRCh38, 1-based): chr2:189,072,060, G>A on the plus strand (C>T on the coding strand, the complement: COL5A2 is on the minus strand). VCF-style: chr2-189072060-G-A. GRCh37 (hg19) VCF-style: chr2-189936786-G-A.
Other names: p.Pro380Ser; short protein forms P380S.
Identifiers: ClinVar variation 4540787 (VCV004540787.1).

ClinVar aggregate classification (germline): Uncertain significance (1 of 4 stars; one submission).

Submission:

Mayo Clinic Laboratories, Mayo Clinic
Classification: Uncertain significance. Last evaluated: 2025-06-02. Review status: criteria provided, single submitter. Criteria: ACMG Guidelines, 2015. Collection method: clinical testing. Allele origin: germline. Observed: 1 variant allele.
Comment: PP3, PM2_supporting